The following is an entry in ClinVar:

NM_001042424.3(NSD2):c.927G>T (p.Lys309Asn)

Gene: NSD2 (nuclear receptor binding SET domain protein 2; plus strand). Cytogenetic location: 4p16.3.
Variant type: single nucleotide variant.
Coding change: c.927G>T on transcript NM_001042424.3 (MANE Select); coding-DNA position 927, G replaced by T.
Protein change: p.Lys309Asn; replaces lysine 309 with asparagine.
Molecular consequence: missense variant.
Genome position (GRCh38, 1-based): chr4:1,917,037, G>T. VCF-style: chr4-1917037-G-T. GRCh37 (hg19) VCF-style: chr4-1918764-G-T.
Other names: c.927G>T, p.Lys309Asn (NM_007331.2, NM_133330.3, NM_133331.3 and 2 more transcripts); short protein forms K309N.
Identifiers: ClinVar variation 1709130 (VCV001709130.2), dbSNP rs2474331632, ClinGen allele CA356002505.
Genomic context (GRCh38, chr4:1,917,037, plus strand): 5'-GTTTGAAAAATTATGCCAGGAAAGTGCCAAGCAGGCACCCACGAAAGCTGAGAAAATTAA[G>T]GTGATAGATGACCCTTCAGTCTACTTTTAGACCAGAAATTTAATTTTTATTCTTTAAGTT-3'
Protein context (NP_001035889.1, residues 299-319): KQAPTKAEKI[Lys309Asn]LLKPISGKLR

ClinVar aggregate classification (germline): Likely pathogenic (1 of 4 stars; one submission).

Conditions:
4p partial monosomy syndrome (WHS). Also called: CHROMOSOME 4p16.3 DELETION SYNDROME; PITT SYNDROME; Wolf-Hirschhorn syndrome; WITTWER SYNDROME. Identifiers: Orphanet 280, MedGen C1956097, MONDO:0008684, OMIM 194190.

Submission:

MGZ Medical Genetics Center
Classification: Likely pathogenic for 4p partial monosomy syndrome. Last evaluated: 2022-02-04. Review status: criteria provided, single submitter. Criteria: ACMG Guidelines, 2015. Collection method: clinical testing. Allele origin: germline. Affected: yes. Observed: 1 variant allele.
Comment: ACMG criteria applied: PS2, PM2_SUP, PP1, PP3